The following is an entry in ClinVar:

ClinVar aggregate classification (germline): Likely benign. Review status: criteria provided, multiple submitters, no conflicts (2 of 4 stars). 2 submissions from 2 submitters: Likely benign (2). Last evaluated 2026-04-01.

Allele frequency attached by ClinVar (database versions not stated): gnomAD 0.00003; gnomAD exomes 0.00003; TOPMed 0.00004; ExAC 0.00005; ESP Exome Variant Server 0.00008.
gnomAD v4.1: 45 of 1,612,974 alleles (0.0028%); highest among the groups gnomAD compares: Middle Eastern, 0.017%; no homozygotes.

Submissions (2):

CeGaT Center for Human Genetics Tuebingen
Classification: Likely benign. Last evaluated: 2026-04-01. Review status: criteria provided, single submitter. Criteria: CeGaT Center For Human Genetics Tuebingen Variant Classification Criteria Version 2. Collection method: clinical testing. Allele origin: germline. Affected: yes. Observed: 1 variant allele.
Comment: NDUFAF5: BP4, BP7

Labcorp Genetics (formerly Invitae), Labcorp
Classification: Likely benign. Last evaluated: 2026-01-13. Review status: criteria provided, single submitter. Criteria: Invitae Variant Classification Sherloc (09022015). Collection method: clinical testing. Allele origin: germline.

NM_024120.5(NDUFAF5):c.27C>T (p.Arg9=)

Genes: NDUFAF5 (NADH:ubiquinone oxidoreductase complex assembly factor 5; plus strand), LOC130065433 (ATAC-STARR-seq lymphoblastoid active region 17552; plus strand). Cytogenetic location: 20p12.1.
Variant type: single nucleotide variant.
Coding change: c.27C>T on transcript NM_024120.5 (MANE Select); coding-DNA position 27, C replaced by T.
Protein change: p.Arg9=; no amino-acid change (arginine 9 retained).
Molecular consequence: synonymous variant. On other transcripts: 5 prime UTR variant (3), non-coding transcript variant (7).
Genome position (GRCh38, 1-based): chr20:13,785,095, C>T. VCF-style: chr20-13785095-C-T. GRCh37 (hg19) VCF-style: chr20-13765741-C-T.
Other names: c.27C>T, p.Arg9= (NM_001039375.3, NM_001352408.2); c.-341C>T (NM_001352403.2); c.-555C>T (NM_001352406.2); c.-669C>T (NM_001352407.2).
Identifiers: ClinVar variation 757574 (VCV000757574.13), dbSNP rs371947844, ClinGen allele CA9767565.